The following is an entry in ClinVar:

NM_020822.3(KCNT1):c.332C>T (p.Ser111Leu)

Gene: KCNT1 (potassium sodium-activated channel subfamily T member 1; plus strand). Cytogenetic location: 9q34.3.
Variant type: single nucleotide variant.
Coding change: c.332C>T on transcript NM_020822.3 (MANE Select); coding-DNA position 332, C replaced by T.
Protein change: p.Ser111Leu; replaces serine 111 with leucine.
Molecular consequence: missense variant.
Genome position (GRCh38, 1-based): chr9:135,750,175, C>T. VCF-style: chr9-135750175-C-T. GRCh37 (hg19) VCF-style: chr9-138642021-C-T.
Other names: c.188C>T, p.Ser63Leu (NM_001272003.2); short protein forms S111L, S63L.
Identifiers: ClinVar variation 4074321 (VCV004074321.1).
Genomic context (GRCh38, chr9:135,750,175, plus strand): 5'-ACGTCAACGAGAACACCTTCAAGGAGCGGCTCAAGCTGTTCTTCATCAAAAACCAAAGAT[C>T]GAGTGAGTGGGGTGCCTGGAGGGCCACTCCCAGGCAGGGAGGTGTTGAGGGCGCCGGGAG-3'
Protein context (NP_065873.2, residues 101-121): LKLFFIKNQR[Ser111Leu]SLRIRLFNFS

ClinVar aggregate classification (germline): Uncertain significance (1 of 4 stars; one submission).

Submission:

GeneDx
Classification: Uncertain significance. Last evaluated: 2025-02-09. Review status: criteria provided, single submitter. Criteria: GeneDx Variant Classification Process June 2021. Collection method: clinical testing. Allele origin: germline. Affected: yes.
Comment: Not observed at significant frequency in large population cohorts (gnomAD); In silico analysis supports that this missense variant has a deleterious effect on protein structure/function; Has not been previously published as pathogenic or benign to our knowledge